The following is an entry in ClinVar:

ClinVar aggregate classification (germline): Uncertain significance. Review status: criteria provided, multiple submitters, no conflicts (2 of 4 stars). 5 submissions from 5 submitters: Uncertain significance (5). Last evaluated 2025-10-09.

Conditions:
Hereditary pancreatitis (PCTT). Also called: PRSS1-Related Hereditary Pancreatitis; Hereditary chronic pancreatitis. Identifiers: Orphanet 676, MedGen C0238339, MONDO:0008185, OMIM 167800.
Cystic fibrosis (CF). Also called: MUCOVISCIDOSIS. Identifiers: Orphanet 586, MedGen C0010674, MONDO:0009061, OMIM 219700. Disease mechanism: loss of function.

gnomAD v4.1: 11 of 1,614,050 alleles (0.00068%); highest among the groups gnomAD compares: South Asian, 0.011%; no homozygotes.

Submissions (5):

Women's Health and Genetics/Laboratory Corporation of America, LabCorp
Classification: Uncertain significance. Last evaluated: 2025-10-09. Review status: criteria provided, single submitter. Criteria: LabCorp Variant Classification Summary - May 2015. Collection method: clinical testing. Allele origin: germline.
Comment: Variant summary: CFTR c.640C>G (p.Leu214Val) results in a conservative amino acid change in the encoded protein sequence. Algorithms developed to predict the effect of missense changes on protein structure and function are either unavailable or do not agree on the potential impact of this missense change. The variant allele was found at a frequency of 2e-05 in 251450 control chromosomes. The available data on variant occurrences in the general population are insufficient to allow any conclusion about variant significance. c.640C>G has been observed in the presumed simple heterozygous state in at least 1 individual(s) affected with congenital bilateral absence of the vas deferens (Gaikwad_2020), without strong evidence for causality. These report(s) do not provide unequivocal conclusions about association of the variant with CFTR-related conditions. To our knowledge, no experimental evidence demonstrating an impact on protein function has been reported. The following publications have been ascertained in the context of this evaluation (PMID: 34759610, 34145097, 36703223). ClinVar contains an entry for this variant (Variation ID: 448901). Based on the evidence outlined above, the variant was classified as uncertain significance.

Ambry Genetics
Classification: Uncertain significance for Cystic fibrosis. Last evaluated: 2024-02-12. Review status: criteria provided, single submitter. Criteria: Ambry Variant Classification Scheme 2023. Collection method: clinical testing. Allele origin: germline.
Comment: The p.L214V variant (also known as c.640C>G), located in coding exon 6 of the CFTR gene, results from a C to G substitution at nucleotide position 640. The leucine at codon 214 is replaced by valine, an amino acid with highly similar properties. This variant was detected in one individual with congenital bilateral absence of vas deferens (Gaikwad A et al. Indian J Med Res, 2020 Dec;152:575-583). This amino acid position is highly conserved in available vertebrate species. In addition, the in silico prediction for this alteration is inconclusive. Based on the available evidence, the clinical significance of this alteration remains unclear.

Dubai Health Genomic Medicine Center, Dubai Health
Classification: Uncertain significance. Last evaluated: 2022-12-17. Review status: criteria provided, single submitter. Criteria: ACMG Guidelines, 2015. Collection method: clinical testing. Allele origin: germline. Affected: yes.

Labcorp Genetics (formerly Invitae), Labcorp
Classification: Uncertain significance for Cystic fibrosis. Last evaluated: 2022-03-11. Review status: criteria provided, single submitter. Criteria: Invitae Variant Classification Sherloc (09022015). Collection method: clinical testing. Allele origin: germline.
Comment: This sequence change replaces leucine, which is neutral and non-polar, with valine, which is neutral and non-polar, at codon 214 of the CFTR protein (p.Leu214Val). This variant is present in population databases (rs188457893, gnomAD 0.02%). This variant has not been reported in the literature in individuals affected with CFTR-related conditions. ClinVar contains an entry for this variant (Variation ID: 448901). Algorithms developed to predict the effect of missense changes on protein structure and function are either unavailable or do not agree on the potential impact of this missense change (SIFT: "Tolerated"; PolyPhen-2: "Possibly Damaging"; Align-GVGD: "Class C0"). Algorithms developed to predict the effect of sequence changes on RNA splicing suggest that this variant may create or strengthen a splice site. In summary, the available evidence is currently insufficient to determine the role of this variant in disease. Therefore, it has been classified as a Variant of Uncertain Significance.

GenePathDx, GenePath diagnostics
Classification: Uncertain significance for Hereditary pancreatitis. Last evaluated: 2017-06-12. Review status: criteria provided, single submitter. Criteria: GenePathDx_Criteria_classificationV2. Collection method: clinical testing. Allele origin: germline. Inheritance: Autosomal dominant inheritance. Affected: yes. Observed: 1 variant allele.

Literature cited by the submitters: PubMed 34145097 (cited by Women's Health and Genetics/Laboratory Corporation of America, LabCorp and Ambry Genetics); PubMed 36703223 (cited by Women's Health and Genetics/Laboratory Corporation of America, LabCorp); PubMed 34759610 (cited by Women's Health and Genetics/Laboratory Corporation of America, LabCorp).

NM_000492.4(CFTR):c.640C>G (p.Leu214Val)

Gene: CFTR (CF transmembrane conductance regulator; plus strand). Cytogenetic location: 7q31.2.
Variant type: single nucleotide variant.
Coding change: c.640C>G on transcript NM_000492.4 (MANE Select); coding-DNA position 640, C replaced by G.
Protein change: p.Leu214Val; replaces leucine 214 with valine.
Molecular consequence: missense variant.
Genome position (GRCh38, 1-based): chr7:117,535,308, C>G. VCF-style: chr7-117535308-C-G. GRCh37 (hg19) VCF-style: chr7-117175362-C-G.
Other names: short protein forms L214V.
Identifiers: ClinVar variation 448901 (VCV000448901.11), dbSNP rs188457893, ClinGen allele CA4450791.